The following is an entry in ClinVar:

NM_025114.4(CEP290):c.1325T>A (p.Val442Asp)

Gene: CEP290 (centrosomal protein 290; minus strand). Cytogenetic location: 12q21.32.
Variant type: single nucleotide variant.
Coding change: c.1325T>A on transcript NM_025114.4 (MANE Select); coding-DNA position 1325, T replaced by A.
Protein change: p.Val442Asp; replaces valine 442 with aspartic acid.
Molecular consequence: missense variant.
Genome position (GRCh38, 1-based): chr12:88,121,031, A>T on the plus strand (T>A on the coding strand, the complement: CEP290 is on the minus strand). VCF-style: chr12-88121031-A-T. GRCh37 (hg19) VCF-style: chr12-88514808-A-T.
Other names: short protein forms V442D.
Identifiers: ClinVar variation 2923681 (VCV002923681.2), dbSNP rs1238835456, ClinGen allele CA385980445.

ClinVar aggregate classification (germline): Uncertain significance (1 of 4 stars; one submission).

Conditions:
Joubert syndrome. Also called: CEREBELLOPARENCHYMAL DISORDER IV; JOUBERT-BOLTSHAUSER SYNDROME; Familial aplasia of the vermis. Identifiers: Orphanet 475, MedGen C5979921, MONDO:0018772.
Nephronophthisis. Also called: Juvenile Nephronophthisis. Identifiers: Orphanet 655, MedGen C0687120, MONDO:0019005, HP:0000090.
Meckel-Gruber syndrome. Also called: DYSENCEPHALIA SPLANCHNOCYSTICA; GRUBER SYNDROME; Dysencephalia splachnocystica. Identifiers: Orphanet 564, MedGen C0265215, MONDO:0018921.

Allele frequency attached by ClinVar (database versions not stated): TOPMed below 0.00001.
gnomAD v4.1: 3 of 1,613,246 alleles (0.00019%); no homozygotes.

Submission:

Labcorp Genetics (formerly Invitae), Labcorp
Classification: Uncertain significance for Joubert syndrome; Meckel-Gruber syndrome; Nephronophthisis. Last evaluated: 2023-06-14. Review status: criteria provided, single submitter. Criteria: Invitae Variant Classification Sherloc (09022015). Collection method: clinical testing. Allele origin: germline.
Comment: This variant is not present in population databases (gnomAD no frequency). This sequence change replaces valine, which is neutral and non-polar, with aspartic acid, which is acidic and polar, at codon 442 of the CEP290 protein (p.Val442Asp). This variant has not been reported in the literature in individuals affected with CEP290-related conditions. In summary, the available evidence is currently insufficient to determine the role of this variant in disease. Therefore, it has been classified as a Variant of Uncertain Significance. Advanced modeling of protein sequence and biophysical properties (such as structural, functional, and spatial information, amino acid conservation, physicochemical variation, residue mobility, and thermodynamic stability) performed at Invitae indicates that this missense variant is not expected to disrupt CEP290 protein function.